The following is an entry in ClinVar:

NM_000814.6(GABRB3):c.240+13C>T

Gene: GABRB3 (gamma-aminobutyric acid type A receptor subunit beta3; minus strand). Cytogenetic location: 15q12.
Variant type: single nucleotide variant.
Coding change: c.240+13C>T on transcript NM_000814.6 (MANE Select); 13 bases into the intron after coding-DNA position 240, C replaced by T.
Molecular consequence: intron variant.
Genome position (GRCh38, 1-based): chr15:26,772,389, G>A on the plus strand (C>T on the coding strand, the complement: GABRB3 is on the minus strand). VCF-style: chr15-26772389-G-A. GRCh37 (hg19) VCF-style: chr15-27017536-G-A.
Other names: c.240+13C>T (NM_021912.5); c.-112+13C>T (NM_001278631.2).
Identifiers: ClinVar variation 256819 (VCV000256819.13), dbSNP rs8179186, ClinGen allele CA7437507.

ClinVar aggregate classification (germline): Benign. Review status: criteria provided, multiple submitters, no conflicts (2 of 4 stars). 5 submissions from 5 submitters: Benign (5). Last evaluated 2026-02-03.

Conditions:
Epilepsy, childhood absence, susceptibility to, 1. Also called: Epilepsy, childhood absence 1. Identifiers: Orphanet 64280, MedGen C1838604, MONDO:0020759, OMIM 600131.
Epilepsy, childhood absence, susceptibility to, 5. Identifiers: Orphanet 64280, MedGen C2677087, MONDO:0012843, OMIM 612269.

Allele frequency attached by ClinVar (database versions not stated): ExAC 0.22209; gnomAD 0.12842 and 0.13617; ESP Exome Variant Server 0.10174; TOPMed 0.13378; gnomAD exomes 0.15430 and 0.19095; 1000 Genomes Project 30x 0.18364; 1000 Genomes Project 0.18690.
gnomAD v4.1: 244,160 of 1,603,122 alleles (15%); highest among the groups gnomAD compares: Admixed American, 35%; 22,136 homozygotes.

Submissions (5):

Labcorp Genetics (formerly Invitae), Labcorp
Classification: Benign for Epilepsy, childhood absence, susceptibility to, 5; Epilepsy, childhood absence, susceptibility to, 1. Last evaluated: 2026-02-03. Review status: criteria provided, single submitter. Criteria: Invitae Variant Classification Sherloc (09022015). Collection method: clinical testing. Allele origin: germline.

Unidad de Genómica Garrahan, Hospital de Pediatría Garrahan
Classification: Benign. Last evaluated: 2024-07-15. Review status: criteria provided, single submitter. Criteria: ACMG Guidelines, 2015. Collection method: clinical testing. Allele origin: germline. Affected: no. Observed: 49 variant alleles.
Comment: This variant is classified as Benign based on local population frequency. This variant was detected in 53% of patients studied in a panel designed for Epileptic and Developmental Encephalopathy and Progressive Myoclonus Epilepsy. Number of patients: 49. Only high quality variants are reported.

GeneDx
Classification: Benign. Last evaluated: 2016-01-08. Review status: criteria provided, single submitter. Criteria: GeneDx Variant Classification (06012015). Collection method: clinical testing. Allele origin: germline. Affected: yes.
Comment: This variant is considered likely benign or benign based on one or more of the following criteria: it is a conservative change, it occurs at a poorly conserved position in the protein, it is predicted to be benign by multiple in silico algorithms, and/or has population frequency not consistent with disease.

Breakthrough Genomics
Classification: Benign. Review status: criteria provided, single submitter. Criteria: ACMG Guidelines, 2015. Collection method: not provided. Allele origin: germline. Inheritance: Autosomal dominant inheritance. Affected: yes.

PreventionGenetics, part of Exact Sciences
Classification: Benign. Review status: criteria provided, single submitter. Criteria: ACMG Guidelines, 2015. Collection method: clinical testing. Allele origin: germline.